The following is an entry in ClinVar:

NM_001289789.1(GPI):c.82C>T (p.Gln28Ter)

Gene: GPI (glucose-6-phosphate isomerase; plus strand). Cytogenetic location: 19q13.11.
Variant type: single nucleotide variant.
Coding change: c.82C>T on transcript NM_001289789.1; coding-DNA position 82, C replaced by T.
Protein change: p.Gln28Ter; replaces glutamine 28 with a stop codon.
Molecular consequence: nonsense.
Genome position (GRCh38, 1-based): chr19:34,364,991, C>T. VCF-style: chr19-34364991-C-T. GRCh37 (hg19) VCF-style: chr19-34855896-C-T.
Other names: c.82C>T, p.Gln28Ter (NM_001184722.1, NM_001440422.1); short protein forms Q28*.
Identifiers: ClinVar variation 3033365 (VCV003033365.2), dbSNP rs752119540, ClinGen allele CA405247707.
Genomic context (GRCh38, chr19:34,364,991, plus strand): 5'-CAACACCTGGGCTCCAGTGATCCCCGGGCTCTGCCCACCCTCCCCACTGCCACTTCCGGG[C>T]AGAGGCCAGCAAAGCGGCGGCGCAAGAGGTAGGGAGAGAGGAGCTGAGGCCCCAGATCAG-3'

ClinVar aggregate classification (germline): Likely pathogenic (0 of 4 stars; one submission).

Conditions:
GPI-related disorder. Also called: GPI-related condition.

Submission:

PreventionGenetics, part of Exact Sciences
Classification: Likely pathogenic for GPI-related condition. Last evaluated: 2023-12-24. Review status: no assertion criteria provided. Collection method: clinical testing. Allele origin: germline.
Comment: The GPI c.82C>T variant is predicted to result in premature protein termination (p.Gln28*). To our knowledge, this variant has not been reported in the literature or in a large population database, indicating this variant is rare. Nonsense variants in GPI are expected to be pathogenic. This variant is interpreted as likely pathogenic.